The following is an entry in ClinVar:

ClinVar aggregate classification (germline): Uncertain significance. Review status: criteria provided, multiple submitters, no conflicts (2 of 4 stars). 2 submissions from 2 submitters: Uncertain significance (2). Last evaluated 2025-09-24.

Conditions:
Inborn genetic diseases. Identifiers: MedGen C0950123, MeSH D030342.

Allele frequency attached by ClinVar (database versions not stated): gnomAD exomes below 0.00001; TOPMed 0.00002.
gnomAD v4.1: 2 of 1,589,410 alleles (0.00013%); highest among the groups gnomAD compares: African/African-American, 0.0013%; no homozygotes.

Submissions (2):

Ambry Genetics
Classification: Uncertain significance for Inborn genetic diseases. Last evaluated: 2025-09-24. Review status: criteria provided, single submitter. Criteria: Ambry Variant Classification Scheme 2023. Collection method: clinical testing. Allele origin: germline.

Labcorp Genetics (formerly Invitae), Labcorp
Classification: Uncertain significance. Last evaluated: 2022-06-15. Review status: criteria provided, single submitter. Criteria: Invitae Variant Classification Sherloc (09022015). Collection method: clinical testing. Allele origin: germline.
Comment: This variant has not been reported in the literature in individuals affected with FREM1-related conditions. This sequence change replaces proline, which is neutral and non-polar, with leucine, which is neutral and non-polar, at codon 1031 of the FREM1 protein (p.Pro1031Leu). This variant is not present in population databases (gnomAD no frequency). Algorithms developed to predict the effect of missense changes on protein structure and function (SIFT, PolyPhen-2, Align-GVGD) all suggest that this variant is likely to be tolerated. In summary, the available evidence is currently insufficient to determine the role of this variant in disease. Therefore, it has been classified as a Variant of Uncertain Significance.

NM_001379081.2(FREM1):c.3092C>T (p.Pro1031Leu)

Gene: FREM1 (FRAS1 related extracellular matrix 1; minus strand). Cytogenetic location: 9p22.3.
Variant type: single nucleotide variant.
Coding change: c.3092C>T on transcript NM_001379081.2 (MANE Select); coding-DNA position 3092, C replaced by T.
Protein change: p.Pro1031Leu; replaces proline 1031 with leucine.
Molecular consequence: missense variant. On other transcripts: non-coding transcript variant (2).
Genome position (GRCh38, 1-based): chr9:14,806,843, G>A on the plus strand (C>T on the coding strand, the complement: FREM1 is on the minus strand). VCF-style: chr9-14806843-G-A. GRCh37 (hg19) VCF-style: chr9-14806841-G-A.
Other names: c.3092C>T, p.Pro1031Leu (NM_144966.7); c.3092C>T (NM_144966.5); short protein forms P1031L.
Identifiers: ClinVar variation 1973719 (VCV001973719.6), dbSNP rs1260192497, ClinGen allele CA372952960.